The following is an entry in ClinVar:

NC_000012.11:g.(?_52306863)_(52310037_?)del

Gene: ACVRL1 (activin A receptor like type 1; plus strand). Cytogenetic location: 12q13.13.
Variant type: Deletion.
Identifiers: ClinVar variation 1459046 (VCV001459046.5).

ClinVar aggregate classification (germline): Pathogenic (1 of 4 stars; one submission).

Conditions:
Telangiectasia, hereditary hemorrhagic, type 2 (HHT2). Also called: ACVRL1-Related Hereditary Hemorrhagic Telangiectasia; Telangiectasia, hereditary hemorrhagic, type II. Identifiers: Orphanet 774, MedGen C1838163, MONDO:0010880, OMIM 600376. Disease mechanism: loss of function.

Submission:

Labcorp Genetics (formerly Invitae), Labcorp
Classification: Pathogenic for Telangiectasia, hereditary hemorrhagic, type 2. Last evaluated: 2023-12-20. Review status: criteria provided, single submitter. Criteria: Invitae Variant Classification Sherloc (09022015). Collection method: clinical testing. Allele origin: germline.
Comment: This variant is a gross deletion of the genomic region encompassing exon(s) 3-8 of the ACVRL1 gene. This variant would be expected to be in-frame, preserving the integrity of the reading frame. A similar copy number variant has been observed in individual(s) with hereditary haemorraghic telangiectasia (HHT) (PMID: 16690726, 20414677, 23653583). It has also been observed to segregate with disease in related individuals. This variant affects a cysteine residue located within the ACVRL1 protein ectodomain. Cysteine residues in this domain of ACVRL1 are involved in the formation of disulfide bridges critical for protein structure and stability (PMID: 22028876, 22718755, 22799562). In addition, missense substitutions within the ACVRL1 ectodomain affecting cysteine residues are overrepresented in patients with HHT (PMID: 20501893, 26176610 and an online resource). For these reasons, this variant has been classified as Pathogenic.

Literature cited by the submitters: PubMed 16690726; PubMed 20414677; PubMed 23653583; PubMed 22028876; PubMed 22718755; PubMed 22799562; PubMed 20501893; PubMed 26176610.